The following is an entry in ClinVar:

ClinVar aggregate classification (germline): Uncertain significance (1 of 4 stars; one submission).

Allele frequency attached by ClinVar (database versions not stated): gnomAD exomes below 0.00001.
gnomAD v4.1: 1 of 1,614,110 alleles (0.000062%); highest among the groups gnomAD compares: Non-Finnish European, 0.000085%; no homozygotes.

Submission:

Labcorp Genetics (formerly Invitae), Labcorp
Classification: Uncertain significance. Last evaluated: 2024-07-15. Review status: criteria provided, single submitter. Criteria: Invitae Variant Classification Sherloc (09022015). Collection method: clinical testing. Allele origin: germline.
Comment: This sequence change replaces isoleucine, which is neutral and non-polar, with threonine, which is neutral and polar, at codon 2490 of the KMT2A protein (p.Ile2490Thr). This variant is not present in population databases (gnomAD no frequency). This variant has not been reported in the literature in individuals affected with KMT2A-related conditions. Advanced modeling of protein sequence and biophysical properties (such as structural, functional, and spatial information, amino acid conservation, physicochemical variation, residue mobility, and thermodynamic stability) performed at Invitae indicates that this missense variant is not expected to disrupt KMT2A protein function with a negative predictive value of 95%. In summary, the available evidence is currently insufficient to determine the role of this variant in disease. Therefore, it has been classified as a Variant of Uncertain Significance.

NM_001197104.2(KMT2A):c.7469T>C (p.Ile2490Thr)

Gene: KMT2A (lysine methyltransferase 2A; plus strand). Cytogenetic location: 11q23.3.
Variant type: single nucleotide variant.
Coding change: c.7469T>C on transcript NM_001197104.2 (MANE Select); coding-DNA position 7469, T replaced by C.
Protein change: p.Ile2490Thr; replaces isoleucine 2490 with threonine.
Molecular consequence: missense variant.
Genome position (GRCh38, 1-based): chr11:118,503,361, T>C. VCF-style: chr11-118503361-T-C. GRCh37 (hg19) VCF-style: chr11-118374076-T-C.
Other names: c.7559T>C, p.Ile2520Thr (NM_001412597.1); c.7460T>C, p.Ile2487Thr (NM_005933.4); short protein forms I2487T, I2520T, I2490T.
Identifiers: ClinVar variation 2800136 (VCV002800136.3), dbSNP rs2496999060, ClinGen allele CA382805702.
Genomic context (GRCh38, chr11:118,503,361, plus strand): 5'-AGGTTTTGACTCCTGAGTATATGGGCCAACGACCATGTAACAATGTTTCTTCTGATAAGA[T>C]TGGTGATAAAGGCCTTTCTATGCCAGGAGTCCCCAAAGCTCCACCCATGCAAGTAGAAGG-3'
Protein context (NP_001184033.1, residues 2480-2500): RPCNNVSSDK[Ile2490Thr]GDKGLSMPGV